The following is an entry in ClinVar:

ClinVar aggregate classification (germline): Benign/Likely benign. Review status: criteria provided, multiple submitters, no conflicts (2 of 4 stars). 4 submissions from 4 submitters: Benign (1); Likely benign (2). 1 of the submissions does not count toward it. Last evaluated 2024-10-08.

Conditions:
RIPK4-related disorder. Also called: RIPK4-related condition.

Allele frequency attached by ClinVar (database versions not stated): TOPMed 0.00075; ESP Exome Variant Server 0.00077; gnomAD exomes 0.00085 and 0.00200; 1000 Genomes Project 30x 0.00094; 1000 Genomes Project 0.00120; ExAC 0.00175; gnomAD 0.00221 and 0.00232.
gnomAD v4.1: 1,592 of 1,612,772 alleles (0.099%); highest among the groups gnomAD compares: African/African-American, 0.19%; 11 homozygotes.

Submissions (4):

Blueprint Genetics
Classification: Likely benign. Last evaluated: 2024-10-08. Review status: criteria provided, single submitter. Criteria: ACMG Guidelines, 2015. Collection method: clinical testing. Allele origin: germline.

CeGaT Center for Human Genetics Tuebingen
Classification: Likely benign. Last evaluated: 2022-05-01. Review status: criteria provided, single submitter. Criteria: CeGaT Center For Human Genetics Tuebingen Variant Classification Criteria Version 2. Collection method: clinical testing. Allele origin: germline. Affected: yes. Observed: 1 variant allele.
Comment: RIPK4: BP4, BP7

Labcorp Genetics (formerly Invitae), Labcorp
Classification: Benign. Last evaluated: 2017-07-18. Review status: criteria provided, single submitter. Criteria: Invitae Variant Classification Sherloc (09022015). Collection method: clinical testing. Allele origin: germline.

PreventionGenetics, part of Exact Sciences
Classification: Benign for RIPK4-related condition. Last evaluated: 2024-01-12. Review status: no assertion criteria provided. Collection method: clinical testing. Allele origin: germline. Not counted in ClinVar's aggregate classification.
Comment: This variant is classified as benign based on ACMG/AMP sequence variant interpretation guidelines (Richards et al. 2015 PMID: 25741868, with internal and published modifications).

NM_020639.3(RIPK4):c.2070C>T (p.Val690=)

Gene: RIPK4 (receptor interacting serine/threonine kinase 4; minus strand). Cytogenetic location: 21q22.3.
Variant type: single nucleotide variant.
Coding change: c.2070C>T on transcript NM_020639.3 (MANE Select); coding-DNA position 2070, C replaced by T.
Protein change: p.Val690=; no amino-acid change (valine 690 retained).
Molecular consequence: synonymous variant.
Genome position (GRCh38, 1-based): chr21:41,741,123, G>A on the plus strand (C>T on the coding strand, the complement: RIPK4 is on the minus strand). VCF-style: chr21-41741123-G-A. GRCh37 (hg19) VCF-style: chr21-43161283-G-A.
Identifiers: ClinVar variation 782171 (VCV000782171.29), dbSNP rs149475741, ClinGen allele CA10035142.